The following is an entry in ClinVar:

ClinVar aggregate classification (germline): Likely benign. Review status: criteria provided, multiple submitters, no conflicts (2 of 4 stars). 2 submissions from 2 submitters: Likely benign (2). Last evaluated 2025-07-01.

Conditions:
Familial cold autoinflammatory syndrome 3 (FCAS3). Also called: FAMILIAL ATYPICAL COLD URTICARIA; ANTIBODY DEFICIENCY AND IMMUNE DYSREGULATION, PLCG2-ASSOCIATED. Identifiers: Orphanet 300359, MedGen C3280914, MONDO:0013766, OMIM 614468.

Allele frequency attached by ClinVar (database versions not stated): TOPMed below 0.00001; ExAC 0.00002.
gnomAD v4.1: 31 of 1,614,178 alleles (0.0019%); highest among the groups gnomAD compares: Non-Finnish European, 0.0026%; no homozygotes.

Submissions (2):

CeGaT Center for Human Genetics Tuebingen
Classification: Likely benign. Last evaluated: 2025-07-01. Review status: criteria provided, single submitter. Criteria: CeGaT Center For Human Genetics Tuebingen Variant Classification Criteria Version 2. Collection method: clinical testing. Allele origin: germline. Affected: yes. Observed: 1 variant allele.
Comment: PLCG2: BP4, BP7

Labcorp Genetics (formerly Invitae), Labcorp
Classification: Likely benign for Familial cold autoinflammatory syndrome 3. Last evaluated: 2023-05-02. Review status: criteria provided, single submitter. Criteria: Invitae Variant Classification Sherloc (09022015). Collection method: clinical testing. Allele origin: germline.

NM_002661.5(PLCG2):c.3648G>C (p.Leu1216=)

Gene: PLCG2 (phospholipase C gamma 2; plus strand). Cytogenetic location: 16q23.3.
Variant type: single nucleotide variant.
Coding change: c.3648G>C on transcript NM_002661.5 (MANE Select); coding-DNA position 3648, G replaced by C.
Protein change: p.Leu1216=; no amino-acid change (leucine 1216 retained).
Molecular consequence: synonymous variant.
Genome position (GRCh38, 1-based): chr16:81,956,772, G>C. VCF-style: chr16-81956772-G-C. GRCh37 (hg19) VCF-style: chr16-81990377-G-C.
Other names: c.3648G>C, p.Leu1216= (NM_001425749.1, NM_001425750.1, NM_001425751.1).
Identifiers: ClinVar variation 3002911 (VCV003002911.11), dbSNP rs761646110, ClinGen allele CA8194795.